The following is an entry in ClinVar:

ClinVar aggregate classification (germline): Uncertain significance (1 of 4 stars; one submission).

Allele frequency attached by ClinVar (database versions not stated): TOPMed below 0.00001; gnomAD exomes 0.00002.
gnomAD v4.1: 25 of 1,570,264 alleles (0.0016%); highest among the groups gnomAD compares: Non-Finnish European, 0.0021%; no homozygotes.

Submission:

Labcorp Genetics (formerly Invitae), Labcorp
Classification: Uncertain significance. Last evaluated: 2022-02-22. Review status: criteria provided, single submitter. Criteria: Invitae Variant Classification Sherloc (09022015). Collection method: clinical testing. Allele origin: germline.
Comment: This sequence change replaces valine, which is neutral and non-polar, with glycine, which is neutral and non-polar, at codon 42 of the ADAMTS18 protein (p.Val42Gly). This variant is not present in population databases (gnomAD no frequency). This variant has not been reported in the literature in individuals affected with ADAMTS18-related conditions. Algorithms developed to predict the effect of missense changes on protein structure and function are either unavailable or do not agree on the potential impact of this missense change (SIFT: "Not Available"; PolyPhen-2: "Benign"; Align-GVGD: "Not Available"). In summary, the available evidence is currently insufficient to determine the role of this variant in disease. Therefore, it has been classified as a Variant of Uncertain Significance.

NM_199355.4(ADAMTS18):c.125T>G (p.Val42Gly)

Gene: ADAMTS18 (ADAM metallopeptidase with thrombospondin type 1 motif 18; minus strand). Cytogenetic location: 16q23.1.
Variant type: single nucleotide variant.
Coding change: c.125T>G on transcript NM_199355.4 (MANE Select); coding-DNA position 125, T replaced by G.
Protein change: p.Val42Gly; replaces valine 42 with glycine.
Molecular consequence: missense variant. On other transcripts: 5 prime UTR variant (1).
Genome position (GRCh38, 1-based): chr16:77,434,471, A>C on the plus strand (T>G on the coding strand, the complement: ADAMTS18 is on the minus strand). VCF-style: chr16-77434471-A-C. GRCh37 (hg19) VCF-style: chr16-77468368-A-C.
Other names: c.-396T>G (NM_001326358.2); short protein forms V42G.
Identifiers: ClinVar variation 1907379 (VCV001907379.2), dbSNP rs1402727284, ClinGen allele CA396851769.
Genomic context (GRCh38, chr16:77,434,471, plus strand): 5'-TACGAACCATCATTTAATCCGCTGGCGCCGCTGCTGCTGTCACTGGCTAAGGCCGCGGCG[A>C]CCGACGCACAGCAGAGGCAGCACAGCTGGAGCGCCTGCAAGAGAAAAGGTGACATCGCGC-3'
Protein context (NP_955387.1, residues 32-52): LQLCCLCCAS[Val42Gly]AAALASDSSS